The following is an entry in ClinVar:

ClinVar aggregate classification (germline): Pathogenic (1 of 4 stars; one submission).

Conditions:
Neurofibromatosis, type 1 (NF1). Also called: VON RECKLINGHAUSEN DISEASE; Peripheral type neurofibromatosis; Neurofibromatosis, type I; NEUROFIBROMATOSIS, TYPE I, SOMATIC. Identifiers: Orphanet 636, MedGen C0027831, MONDO:0018975, OMIM 162200. Disease mechanism: loss of function.

Submission:

Labcorp Genetics (formerly Invitae), Labcorp
Classification: Pathogenic for Neurofibromatosis, type 1. Last evaluated: 2021-04-09. Review status: criteria provided, single submitter. Criteria: Invitae Variant Classification Sherloc (09022015). Collection method: clinical testing. Allele origin: germline.
Comment: For these reasons, this variant has been classified as Pathogenic. This frameshift has been observed in individual(s) with neurofibromatosis type 1 (PMID: 31443423). This variant is not present in population databases (ExAC no frequency). This sequence change creates a premature translational stop signal (p.Asn793Thrfs*28) in the NF1 gene. It is expected to result in an absent or disrupted protein product. Loss-of-function variants in NF1 are known to be pathogenic (PMID: 10712197, 23913538).

Literature cited by the submitters: PubMed 31443423; PubMed 10712197; PubMed 23913538.

NM_001042492.3(NF1):c.2374del (p.Asn793fs)

Gene: NF1 (neurofibromin 1; plus strand). Cytogenetic location: 17q11.2.
Variant type: Deletion.
Coding change: c.2374del on transcript NM_001042492.3 (MANE Select); coding-DNA position 2374, one base deleted (C; older notation c.2374delC).
Protein change: p.Asn793fs; shifts the reading frame from asparagine 793.
Molecular consequence: frameshift variant.
Genome position (GRCh38, 1-based): chr17:31,227,571, C deleted; the last of 2 consecutive C bases (chr17:31,227,570-31,227,571); deleting either gives the same sequence. VCF-style (leftmost placement, unchanged base first): chr17-31227569-TC-T. GRCh37 (hg19) VCF-style: chr17-29554587-TC-T.
Other names: c.2374delC, p.Asn793Thrfs (NM_000267.4); short protein forms N793fs.
Identifiers: ClinVar variation 1351805 (VCV001351805.8), dbSNP rs2151427546, ClinGen allele CA2573153290.
Genomic context (GRCh38, chr17:31,227,569, plus strand): 5'-TGCCTTCATTTTAGGCTTGGGAAGATACACATGCAAAATGGGAACAAGCAACAAAGCTAA[TC>T]CTTAACTATCCAAAAGCCAAAATGGAAGATGGCCAGGTAAGTCTGTAAAGTTGACTTTTG-3'